The following is an entry in ClinVar:

ClinVar aggregate classification (germline): Uncertain significance (1 of 4 stars; one submission).

Conditions:
Gorlin syndrome. Also called: Nevoid Basal Cell Carcinoma Syndrome; Basal cell nevus syndrome. Identifiers: Orphanet 377, MedGen C0004779, MONDO:0007187.

Allele frequency attached by ClinVar (database versions not stated): gnomAD exomes 0.00001; TOPMed 0.00001; gnomAD 0.00002.

Submission:

Labcorp Genetics (formerly Invitae), Labcorp
Classification: Uncertain significance for Gorlin syndrome. Last evaluated: 2022-09-19. Review status: criteria provided, single submitter. Criteria: Invitae Variant Classification Sherloc (09022015). Collection method: clinical testing. Allele origin: germline.
Comment: In summary, the available evidence is currently insufficient to determine the role of this variant in disease. Therefore, it has been classified as a Variant of Uncertain Significance. Advanced modeling of protein sequence and biophysical properties (such as structural, functional, and spatial information, amino acid conservation, physicochemical variation, residue mobility, and thermodynamic stability) performed at Invitae indicates that this missense variant is not expected to disrupt PTCH2 protein function. ClinVar contains an entry for this variant (Variation ID: 1415464). This variant has not been reported in the literature in individuals affected with PTCH2-related conditions. This variant is present in population databases (no rsID available, gnomAD 0.003%). This sequence change replaces valine, which is neutral and non-polar, with methionine, which is neutral and non-polar, at codon 542 of the PTCH2 protein (p.Val542Met).

NM_003738.5(PTCH2):c.1624G>A (p.Val542Met)

Gene: PTCH2 (patched 2; minus strand). Cytogenetic location: 1p34.1.
Variant type: single nucleotide variant.
Coding change: c.1624G>A on transcript NM_003738.5 (MANE Select); coding-DNA position 1624, G replaced by A.
Protein change: p.Val542Met; replaces valine 542 with methionine.
Molecular consequence: missense variant.
Genome position (GRCh38, 1-based): chr1:44,828,381, C>T on the plus strand (G>A on the coding strand, the complement: PTCH2 is on the minus strand). VCF-style: chr1-44828381-C-T. GRCh37 (hg19) VCF-style: chr1-45294053-C-T.
Other names: c.1624G>A, p.Val542Met (NM_001166292.2); short protein forms V542M.
Identifiers: ClinVar variation 1415464 (VCV001415464.12), dbSNP rs1366049289, ClinGen allele CA340100454.